The following is an entry in ClinVar:

ClinVar aggregate classification (germline): Uncertain significance (1 of 4 stars; one submission).

Conditions:
Cowden syndrome 6 (CWS6). Identifiers: Orphanet 201, MedGen C3554519, MONDO:0014048, OMIM 615109.

Submission:

Labcorp Genetics (formerly Invitae), Labcorp
Classification: Uncertain significance for Cowden syndrome 6. Last evaluated: 2024-04-10. Review status: criteria provided, single submitter. Criteria: Invitae Variant Classification Sherloc (09022015). Collection method: clinical testing. Allele origin: germline.
Comment: This sequence change replaces glycine, which is neutral and non-polar, with serine, which is neutral and polar, at codon 254 of the AKT1 protein (p.Gly254Ser). This variant is not present in population databases (gnomAD no frequency). This variant has not been reported in the literature in individuals affected with AKT1-related conditions. ClinVar contains an entry for this variant (Variation ID: 2002599). An algorithm developed to predict the effect of missense changes on protein structure and function (PolyPhen-2) suggests that this variant is likely to be disruptive. In summary, the available evidence is currently insufficient to determine the role of this variant in disease. Therefore, it has been classified as a Variant of Uncertain Significance.

NM_001382430.1(AKT1):c.760G>A (p.Gly254Ser)

Gene: AKT1 (AKT serine/threonine kinase 1; minus strand). Cytogenetic location: 14q32.33.
Variant type: single nucleotide variant.
Coding change: c.760G>A on transcript NM_001382430.1 (MANE Select); coding-DNA position 760, G replaced by A.
Protein change: p.Gly254Ser; replaces glycine 254 with serine.
Molecular consequence: missense variant.
Genome position (GRCh38, 1-based): chr14:104,773,523, C>T on the plus strand (G>A on the coding strand, the complement: AKT1 is on the minus strand). VCF-style: chr14-104773523-C-T. GRCh37 (hg19) VCF-style: chr14-105239860-C-T.
Other names: c.760G>A, p.Gly254Ser (NM_001014431.2, NM_001014432.2, NM_001382431.1 and 3 more transcripts); short protein forms G254S.
Identifiers: ClinVar variation 2002599 (VCV002002599.4), dbSNP rs2542128809, ClinGen allele CA391218374.